The following is an entry in ClinVar:

ClinVar aggregate classification (germline): Uncertain significance (1 of 4 stars; one submission).

Conditions:
Hereditary cancer-predisposing syndrome. Also called: Neoplastic Syndromes, Hereditary; Tumor predisposition; Hereditary neoplastic syndrome; Hereditary Cancer Syndrome. Identifiers: Orphanet 140162, MedGen C0027672, MeSH D009386, MONDO:0015356.

gnomAD v4.1: 1 of 1,613,364 alleles (0.000062%); highest among the groups gnomAD compares: Non-Finnish European, 0.000085%; no homozygotes.

Submission:

Ambry Genetics
Classification: Uncertain significance for Hereditary cancer-predisposing syndrome. Last evaluated: 2019-03-18. Review status: criteria provided, single submitter. Criteria: Ambry Variant Classification Scheme 2023. Collection method: clinical testing. Allele origin: germline.
Comment: The p.A158T variant (also known as c.472G>A), located in coding exon 5 of the FANCC gene, results from a G to A substitution at nucleotide position 472. The alanine at codon 158 is replaced by threonine, an amino acid with similar properties. This amino acid position is poorly conserved in available vertebrate species. In addition, this alteration is predicted to be tolerated by in silico analysis. Since supporting evidence is limited at this time, the clinical significance of this alteration remains unclear.

NM_000136.3(FANCC):c.472G>A (p.Ala158Thr)

Gene: FANCC (FA complementation group C; minus strand). Cytogenetic location: 9q22.32.
Variant type: single nucleotide variant.
Coding change: c.472G>A on transcript NM_000136.3 (MANE Select); coding-DNA position 472, G replaced by A.
Protein change: p.Ala158Thr; replaces alanine 158 with threonine.
Molecular consequence: missense variant.
Genome position (GRCh38, 1-based): chr9:95,171,128, C>T on the plus strand (G>A on the coding strand, the complement: FANCC is on the minus strand). VCF-style: chr9-95171128-C-T. GRCh37 (hg19) VCF-style: chr9-97933410-C-T.
Other names: c.472G>A, p.Ala158Thr (NM_001243743.2, NM_001243744.2); short protein forms A158T.
Identifiers: ClinVar variation 825129 (VCV000825129.4), dbSNP rs372338418, ClinGen allele CA374338646.